The following is an entry in ClinVar:

ClinVar aggregate classification (germline): Likely pathogenic (1 of 4 stars; one submission).

Conditions:
Autosomal recessive limb-girdle muscular dystrophy type 2B (LGMDR2). Also called: MUSCULAR DYSTROPHY, LIMB-GIRDLE, TYPE 3; MUSCULAR DYSTROPHY, LIMB-GIRDLE, AUTOSOMAL RECESSIVE 2; Limb-Girdle Muscular Dystrophy Type 2B (LGMD2B); Limb-girdle muscular dystrophy, type 2B. Identifiers: Orphanet 268, MedGen C1850889, MONDO:0009676, OMIM 253601.

Submission:

Natera, Inc.
Classification: Likely pathogenic for Limb-girdle muscular dystrophy type 2B. Last evaluated: 2024-11-20. Review status: criteria provided, single submitter. Criteria: Natera Variant Classification Schema (03/2026). Collection method: clinical testing. Allele origin: germline.
Comment: The c.2217C>G variant in DYSF is a nonsense variant predicted to introduce a stop codon at amino acid 739. This variant is expected to result in nonsense mediated decay, truncation, or a dysfunctional protein product. This variant is rare in the general population with a frequency below the threshold expected for the associated phenotype(s). Given the available evidence, this variant is classified as Likely Pathogenic.

NM_001130987.2(DYSF):c.2271C>G (p.Tyr757Ter)

Gene: DYSF (dysferlin; plus strand). Cytogenetic location: 2p13.2.
Variant type: single nucleotide variant.
Coding change: c.2271C>G on transcript NM_001130987.2 (MANE Select); coding-DNA position 2271, C replaced by G.
Protein change: p.Tyr757Ter; replaces tyrosine 757 with a stop codon.
Molecular consequence: nonsense.
Genome position (GRCh38, 1-based): chr2:71,561,806, C>G. VCF-style: chr2-71561806-C-G. GRCh37 (hg19) VCF-style: chr2-71788936-C-G.
Other names: c.2220C>G, p.Tyr740Ter (NM_001130455.2, NM_001130983.2); c.2175C>G, p.Tyr725Ter (NM_001130976.2, NM_001130977.2); c.2217C>G, p.Tyr739Ter (NM_001130978.2, NM_003494.4); c.2310C>G, p.Tyr770Ter (NM_001130979.2); c.2268C>G, p.Tyr756Ter (NM_001130980.2, NM_001130981.2); c.2313C>G, p.Tyr771Ter (NM_001130982.2); c.2178C>G, p.Tyr726Ter (NM_001130984.2, NM_001130986.2); c.2271C>G, p.Tyr757Ter (NM_001130985.2); short protein forms Y725*, Y726*, Y739*, Y740*, Y756*, Y757*, Y770*, Y771*.
Identifiers: ClinVar variation 4815133 (VCV004815133.1).
Genomic context (GRCh38, chr2:71,561,806, plus strand): 5'-TCACAGCCAGCCTCTGGGTGACATCCATGAGACACCCTCTGCCACCCACCTGGACCAGTA[C>G]CTGTACCAGCTGCGCACCCATCACCTGAGCCAAATCACTGAGGCTGCCCTGGCCCTGAAG-3'